The following is an entry in ClinVar:

NM_000718.4(CACNA1B):c.622+5G>A

Gene: CACNA1B (calcium voltage-gated channel subunit alpha1 B; plus strand). Cytogenetic location: 9q34.3.
Variant type: single nucleotide variant.
Coding change: c.622+5G>A on transcript NM_000718.4 (MANE Select); 5 bases into the intron after coding-DNA position 622, G replaced by A.
Molecular consequence: intron variant.
Genome position (GRCh38, 1-based): chr9:137,913,276, G>A. VCF-style: chr9-137913276-G-A. GRCh37 (hg19) VCF-style: chr9-140807728-G-A.
Other names: c.622+5G>A (NM_001243812.2).
Identifiers: ClinVar variation 2120887 (VCV002120887.4), dbSNP rs2539140893, ClinGen allele CA2580081019.

ClinVar aggregate classification (germline): Uncertain significance (1 of 4 stars; one submission).

Submission:

Labcorp Genetics (formerly Invitae), Labcorp
Classification: Uncertain significance. Last evaluated: 2022-04-02. Review status: criteria provided, single submitter. Criteria: Invitae Variant Classification Sherloc (09022015). Collection method: clinical testing. Allele origin: germline.
Comment: In summary, the available evidence is currently insufficient to determine the role of this variant in disease. Therefore, it has been classified as a Variant of Uncertain Significance. Variants that disrupt the consensus splice site are a relatively common cause of aberrant splicing (PMID: 17576681, 9536098). Algorithms developed to predict the effect of sequence changes on RNA splicing suggest that this variant may disrupt the consensus splice site. This variant has not been reported in the literature in individuals affected with CACNA1B-related conditions. This variant is not present in population databases (gnomAD no frequency). This sequence change falls in intron 4 of the CACNA1B gene. It does not directly change the encoded amino acid sequence of the CACNA1B protein. It affects a nucleotide within the consensus splice site.

Literature cited by the submitters: PubMed 17576681; PubMed 9536098.